The following is an entry in ClinVar:

ClinVar aggregate classification (germline): Uncertain significance (1 of 4 stars; one submission).

Allele frequency attached by ClinVar (database versions not stated): gnomAD exomes below 0.00001.
gnomAD v4.1: 1 of 1,613,982 alleles (0.000062%); highest among the groups gnomAD compares: Non-Finnish European, 0.000085%; no homozygotes.

Submission:

GeneDx
Classification: Uncertain significance. Last evaluated: 2019-10-30. Review status: criteria provided, single submitter. Criteria: GeneDx Variant Classification Process June 2021. Collection method: clinical testing. Allele origin: germline. Affected: yes.
Comment: Not observed in large population cohorts (Lek et al., 2016); In silico analysis, which includes protein predictors and evolutionary conservation, supports a deleterious effect; Has not been previously published as pathogenic or benign to our knowledge

NM_003482.4(KMT2D):c.15991C>G (p.Leu5331Val)

Gene: KMT2D (lysine methyltransferase 2D; minus strand). Cytogenetic location: 12q13.12.
Variant type: single nucleotide variant.
Coding change: c.15991C>G on transcript NM_003482.4 (MANE Select); coding-DNA position 15991, C replaced by G.
Protein change: p.Leu5331Val; replaces leucine 5331 with valine.
Molecular consequence: missense variant.
Genome position (GRCh38, 1-based): chr12:49,024,639, G>C on the plus strand (C>G on the coding strand, the complement: KMT2D is on the minus strand). VCF-style: chr12-49024639-G-C. GRCh37 (hg19) VCF-style: chr12-49418422-G-C.
Other names: short protein forms L5331V.
Identifiers: ClinVar variation 1304161 (VCV001304161.2), dbSNP rs2137710588, ClinGen allele CA384681497.
Genomic context (GRCh38, chr12:49,024,639, plus strand): 5'-GTTTGTAGTGTGTGAGGATTTTAGGCTCTGATCGGGCACAGCCAGTGGGGTTGATCATGA[G>C]TGGCAGCTCCATAAGGGGGTGGCGCCCATAGCGGAATAAATAGTTTTGACAGCTCTCCAC-3'
Protein context (NP_003473.3, residues 5321-5341): YGRHPLMELP[Leu5331Val]MINPTGCARS